The following is an entry in ClinVar:

ClinVar aggregate classification (germline): Pathogenic (1 of 4 stars; one submission).

Conditions:
Marfan syndrome (MFS). Also called: FBN1-Related Marfan Syndrome; MARFAN SYNDROME, TYPE I; Marfan syndrome type 1; Marfan's syndrome; Marfan syndrome, classic. Identifiers: Orphanet 284963, Orphanet 558, MedGen C0024796, MONDO:0007947, OMIM 154700.
Familial thoracic aortic aneurysm and aortic dissection (TAAD). Also called: Thoracic aortic aneurysms and dissections. Identifiers: Orphanet 91387, MedGen C4707243, MONDO:0019625.

Submission:

Labcorp Genetics (formerly Invitae), Labcorp
Classification: Pathogenic for Marfan syndrome; Familial thoracic aortic aneurysm and aortic dissection. Last evaluated: 2025-10-14. Review status: criteria provided, single submitter. Criteria: Invitae Variant Classification Sherloc (09022015). Collection method: clinical testing. Allele origin: germline.
Comment: This sequence change creates a premature translational stop signal (p.Glu590*) in the FBN1 gene. It is expected to result in an absent or disrupted protein product. Loss-of-function variants in FBN1 are known to be pathogenic (PMID: 17657824, 19293843). This variant is not present in population databases (gnomAD no frequency). This variant has not been reported in the literature in individuals affected with FBN1-related conditions. For these reasons, this variant has been classified as Pathogenic.

Literature cited by the submitters: PubMed 17657824; PubMed 19293843.

NM_000138.5(FBN1):c.1768G>T (p.Glu590Ter)

Gene: FBN1 (fibrillin 1; minus strand). Cytogenetic location: 15q21.1.
Variant type: single nucleotide variant.
Coding change: c.1768G>T on transcript NM_000138.5 (MANE Select); coding-DNA position 1768, G replaced by T.
Protein change: p.Glu590Ter; replaces glutamic acid 590 with a stop codon.
Molecular consequence: nonsense.
Genome position (GRCh38, 1-based): chr15:48,508,651, C>A on the plus strand (G>T on the coding strand, the complement: FBN1 is on the minus strand). VCF-style: chr15-48508651-C-A. GRCh37 (hg19) VCF-style: chr15-48800848-C-A.
Other names: c.1768G>T, p.Glu590Ter (NM_001406716.1); short protein forms E590*.
Identifiers: ClinVar variation 4786433 (VCV004786433.1).